The following is an entry in ClinVar:

NM_000368.5(TSC1):c.206A>G (p.Asp69Gly)

Gene: TSC1 (TSC complex subunit 1; minus strand). Cytogenetic location: 9q34.13.
Variant type: single nucleotide variant.
Coding change: c.206A>G on transcript NM_000368.5 (MANE Select); coding-DNA position 206, A replaced by G.
Protein change: p.Asp69Gly; replaces aspartic acid 69 with glycine.
Molecular consequence: missense variant. On other transcripts: intron variant (1).
Genome position (GRCh38, 1-based): chr9:132,927,205, T>C on the plus strand (A>G on the coding strand, the complement: TSC1 is on the minus strand). VCF-style: chr9-132927205-T-C. GRCh37 (hg19) VCF-style: chr9-135802592-T-C.
Other names: c.206A>G (NM_000368.4); c.206A>G, p.Asp69Gly (NM_001162426.2, NM_001162427.2); c.-153-1466A>G (NM_001362177.2); short protein forms D69G.
Identifiers: ClinVar variation 1042424 (VCV001042424.11), dbSNP rs1846914861, ClinGen allele CA375375028.

ClinVar aggregate classification (germline): Uncertain significance. Review status: criteria provided, multiple submitters, no conflicts (2 of 4 stars). 3 submissions from 3 submitters: Uncertain significance (3). Last evaluated 2026-06-05.

Conditions:
Tuberous sclerosis syndrome (TSC). Also called: Tuberous Sclerosis Complex; Tuberous sclerosis. Identifiers: Orphanet 805, MedGen C0041341, MONDO:0001734.
Hereditary cancer-predisposing syndrome. Also called: Hereditary neoplastic syndrome; Neoplastic Syndromes, Hereditary; Tumor predisposition; Hereditary Cancer Syndrome. Identifiers: Orphanet 140162, MedGen C0027672, MeSH D009386, MONDO:0015356.
Tuberous sclerosis 1 (TSC1). Identifiers: Orphanet 805, MedGen C1854465, MONDO:0008612, OMIM 191100.

Submissions (3):

Ambry Genetics
Classification: Uncertain significance for Hereditary cancer-predisposing syndrome. Last evaluated: 2026-06-05. Review status: criteria provided, single submitter. Criteria: Ambry Variant Classification Scheme 2023. Collection method: clinical testing. Allele origin: germline.
Comment: The p.D69G variant (also known as c.206A>G), located in coding exon 2 of the TSC1 gene, results from an A to G substitution at nucleotide position 206. The aspartic acid at codon 69 is replaced by glycine, an amino acid with similar properties. This amino acid position is conserved. In addition, this alteration is predicted to be deleterious by in silico analysis. Based on the available evidence, the clinical significance of this variant remains unclear.

All of Us Research Program, National Institutes of Health
Classification: Uncertain significance for Tuberous sclerosis syndrome. Last evaluated: 2023-06-26. Review status: criteria provided, single submitter. Criteria: ACMG Guidelines, 2015. Collection method: clinical testing. Allele origin: germline. Inheritance: Autosomal dominant inheritance. Observed: 1 variant allele, 1 heterozygote.
Comment: This missense variant replaces aspartic acid with glycine at codon 69 of the TSC1 protein. Computational prediction suggests that this variant may have deleterious impact on protein structure and function (internally defined REVEL score threshold >= 0.7, PMID: 27666373). To our knowledge, functional studies have not been reported for this variant. This variant has not been reported in individuals affected with TSC1-related disorders in the literature. This variant has not been identified in the general population by the Genome Aggregation Database (gnomAD). The available evidence is insufficient to determine the role of this variant in disease conclusively. Therefore, this variant is classified as a Variant of Uncertain Significance.

This study involves interpretation of variants in research participants for the purpose of population health screening. Participant phenotype was not available at the time of variant classification. Additional details can be found in publication PMID: 35346344, PMCID: PMC8962531

Labcorp Genetics (formerly Invitae), Labcorp
Classification: Uncertain significance for Tuberous sclerosis 1. Last evaluated: 2021-04-28. Review status: criteria provided, single submitter. Criteria: Invitae Variant Classification Sherloc (09022015). Collection method: clinical testing. Allele origin: germline.
Comment: In summary, the available evidence is currently insufficient to determine the role of this variant in disease. Therefore, it has been classified as a Variant of Uncertain Significance. Algorithms developed to predict the effect of missense changes on protein structure and function are either unavailable or do not agree on the potential impact of this missense change (SIFT: "Tolerated"; PolyPhen-2: "Possibly Damaging"; Align-GVGD: "Class C0"). This variant has not been reported in the literature in individuals with TSC1-related conditions. This variant is not present in population databases (ExAC no frequency). This sequence change replaces aspartic acid with glycine at codon 69 of the TSC1 protein (p.Asp69Gly). The aspartic acid residue is highly conserved and there is a moderate physicochemical difference between aspartic acid and glycine.